The following is an entry in ClinVar:

NM_004006.3(DMD):c.414G>C (p.Lys138Asn)

Gene: DMD (dystrophin; minus strand). Cytogenetic location: Xp21.1.
Variant type: single nucleotide variant.
Coding change: c.414G>C on transcript NM_004006.3 (MANE Select); coding-DNA position 414, G replaced by C.
Protein change: p.Lys138Asn; replaces lysine 138 with asparagine.
Molecular consequence: missense variant.
Genome position (GRCh38, 1-based): chrX:32,816,584, C>G on the plus strand (G>C on the coding strand, the complement: DMD is on the minus strand). VCF-style: chrX-32816584-C-G. GRCh37 (hg19) VCF-style: chrX-32834701-C-G.
Other names: c.390G>C, p.Lys130Asn (NM_000109.4); c.402G>C, p.Lys134Asn (NM_004009.3); c.45G>C, p.Lys15Asn (NM_004010.3); short protein forms K130N, K134N, K138N, K15N.
Identifiers: ClinVar variation 4755945 (VCV004755945.1).

ClinVar aggregate classification (germline): Uncertain significance (1 of 4 stars; one submission).

Submission:

GeneDx
Classification: Uncertain significance. Last evaluated: 2025-08-06. Review status: criteria provided, single submitter. Criteria: GeneDx Variant Classification Process June 2021. Collection method: clinical testing. Allele origin: germline. Affected: yes.
Comment: Not observed at significant frequency in large population cohorts (gnomAD); In silico analysis supports that this missense variant has a deleterious effect on protein structure/function; Missense variant in a gene in which most reported pathogenic variants are truncating/loss of function; Has not been previously published as pathogenic or benign to our knowledge